The following is an entry in ClinVar:

ClinVar aggregate classification (germline): Uncertain significance (1 of 4 stars; one submission).

Conditions:
Inborn genetic diseases. Identifiers: MedGen C0950123, MeSH D030342.

Submission:

Ambry Genetics
Classification: Uncertain significance for Inborn genetic diseases. Last evaluated: 2024-07-30. Review status: criteria provided, single submitter. Criteria: Ambry Variant Classification Scheme 2023. Collection method: clinical testing. Allele origin: germline.
Comment: The p.K58R variant (also known as c.173A>G), located in coding exon 1 of the ACD gene, results from an A to G substitution at nucleotide position 173. The lysine at codon 58 is replaced by arginine, an amino acid with highly similar properties. This amino acid position is conserved. In addition, this alteration is predicted to be tolerated by in silico analysis. Based on the available evidence, the clinical significance of this variant remains unclear.

NM_001082486.1(ACD):c.173A>G (p.Lys58Arg)

Gene: ACD (ACD shelterin complex subunit and telomerase recruitment factor; minus strand). Cytogenetic location: 16q22.1.
Variant type: single nucleotide variant.
Coding change: c.173A>G on transcript NM_001082486.1; coding-DNA position 173, A replaced by G.
Protein change: p.Lys58Arg; replaces lysine 58 with arginine.
Genome position (GRCh38, 1-based): chr16:67,660,306, T>C on the plus strand (A>G on the coding strand, the complement: ACD is on the minus strand). VCF-style: chr16-67660306-T-C. GRCh37 (hg19) VCF-style: chr16-67694209-T-C.
Other names: short protein forms K58R.
Identifiers: ClinVar variation 3480120 (VCV003480120.1).
Genomic context (GRCh38, chr16:67,660,306, plus strand): 5'-AACGGGCCCGGGTTTCCCGCGGGCGCCCAGGCCCCGCCTTTCCTCGGAAGAGGAAGCTCC[T>C]TCGCTGGGCGGGGCCGGAGGAGGAGGCCCCGCCCACGTACACCCCGCGCCTGCGCACGAG-3'